The following is an entry in ClinVar:

NM_000553.6(WRN):c.3472G>T (p.Gly1158Cys)

Gene: WRN (WRN RecQ like helicase; plus strand). Cytogenetic location: 8p12.
Variant type: single nucleotide variant.
Coding change: c.3472G>T on transcript NM_000553.6 (MANE Select); coding-DNA position 3472, G replaced by T.
Protein change: p.Gly1158Cys; replaces glycine 1158 with cysteine.
Molecular consequence: missense variant.
Genome position (GRCh38, 1-based): chr8:31,147,376, G>T. VCF-style: chr8-31147376-G-T. GRCh37 (hg19) VCF-style: chr8-31004892-G-T.
Other names: short protein forms G1158C.
Identifiers: ClinVar variation 404058 (VCV000404058.9), dbSNP rs1060500079, ClinGen allele CA16612443.

ClinVar aggregate classification (germline): Uncertain significance (1 of 4 stars; one submission).

Conditions:
Werner syndrome (WRN). Identifiers: Orphanet 902, MedGen C0043119, MONDO:0010196, OMIM 277700.

Allele frequency attached by ClinVar (database versions not stated): gnomAD exomes below 0.00001 and 0.00001.
gnomAD v4.1: 17 of 1,613,910 alleles (0.0011%); highest among the groups gnomAD compares: Non-Finnish European, 0.0014%; no homozygotes.

Submission:

Labcorp Genetics (formerly Invitae), Labcorp
Classification: Uncertain significance for Werner syndrome. Last evaluated: 2022-06-08. Review status: criteria provided, single submitter. Criteria: Invitae Variant Classification Sherloc (09022015). Collection method: clinical testing. Allele origin: germline.
Comment: In summary, the available evidence is currently insufficient to determine the role of this variant in disease. Therefore, it has been classified as a Variant of Uncertain Significance. Algorithms developed to predict the effect of missense changes on protein structure and function output the following: SIFT: "Not Available"; PolyPhen-2: "Benign"; Align-GVGD: "Not Available". The cysteine amino acid residue is found in multiple mammalian species, which suggests that this missense change does not adversely affect protein function. ClinVar contains an entry for this variant (Variation ID: 404058). This variant has not been reported in the literature in individuals affected with WRN-related conditions. This variant is present in population databases (no rsID available, gnomAD 0.0009%). This sequence change replaces glycine, which is neutral and non-polar, with cysteine, which is neutral and slightly polar, at codon 1158 of the WRN protein (p.Gly1158Cys).